The following is an entry in ClinVar:

NM_004415.4(DSP):c.7193A>G (p.Asn2398Ser)

Gene: DSP (desmoplakin; plus strand). Cytogenetic location: 6p24.3.
Variant type: single nucleotide variant.
Coding change: c.7193A>G on transcript NM_004415.4 (MANE Select); coding-DNA position 7193, A replaced by G.
Protein change: p.Asn2398Ser; replaces asparagine 2398 with serine.
Molecular consequence: missense variant.
Genome position (GRCh38, 1-based): chr6:7,584,455, A>G. VCF-style: chr6-7584455-A-G. GRCh37 (hg19) VCF-style: chr6-7584688-A-G.
Other names: c.5396A>G, p.Asn1799Ser (NM_001008844.3); c.5864A>G, p.Asn1955Ser (NM_001319034.2); short protein forms N2398S, N1799S, N1955S.
Identifiers: ClinVar variation 959124 (VCV000959124.14), dbSNP rs1251606363, ClinGen allele CA362692443.

ClinVar aggregate classification (germline): Uncertain significance. Review status: criteria provided, multiple submitters, no conflicts (2 of 4 stars). 3 submissions from 3 submitters: Uncertain significance (3). Last evaluated 2025-06-11.

Conditions:
Cardiomyopathy (CMYO). Also called: Cardiomyopathies. Identifiers: Orphanet 167848, MedGen C0878544, MONDO:0004994, HP:0001638. Inheritance: Various modes of inheritance.
Arrhythmogenic right ventricular dysplasia 8 (ARVD8). Also called: ARRHYTHMOGENIC RIGHT VENTRICULAR DYSPLASIA, FAMILIAL, 8; ARRHYTHMOGENIC RIGHT VENTRICULAR CARDIOMYOPATHY 8; Arrhythmogenic Right Ventricular Dysplasia/Cardiomyopathy 8. Identifiers: MedGen C1843896, MONDO:0011831, OMIM 607450.
Arrhythmogenic cardiomyopathy with wooly hair and keratoderma. Also called: Dilated cardiomyopathy with woolly hair and keratoderma; PALMOPLANTAR KERATODERMA WITH LEFT VENTRICULAR CARDIOMYOPATHY AND WOOLLY HAIR; Carvajal syndrome; Arrhythmogenic cardiomyopathy with woolly hair and keratoderma. Identifiers: Orphanet 65282, MedGen C1854063, MONDO:0011581, OMIM 605676.

Allele frequency attached by ClinVar (database versions not stated): gnomAD 0.00001; gnomAD exomes 0.00001; TOPMed 0.00001.

Submissions (3):

Labcorp Genetics (formerly Invitae), Labcorp
Classification: Uncertain significance for Arrhythmogenic cardiomyopathy with wooly hair and keratoderma; Arrhythmogenic right ventricular dysplasia 8. Last evaluated: 2025-06-11. Review status: criteria provided, single submitter. Criteria: Invitae Variant Classification Sherloc (09022015). Collection method: clinical testing. Allele origin: germline.
Comment: This sequence change replaces asparagine, which is neutral and polar, with serine, which is neutral and polar, at codon 2398 of the DSP protein (p.Asn2398Ser). This variant is present in population databases (no rsID available, gnomAD 0.002%). This variant has not been reported in the literature in individuals affected with DSP-related conditions. ClinVar contains an entry for this variant (Variation ID: 959124). An algorithm developed to predict the effect of missense changes on protein structure and function (PolyPhen-2) suggests that this variant is likely to be disruptive. In summary, the available evidence is currently insufficient to determine the role of this variant in disease. Therefore, it has been classified as a Variant of Uncertain Significance.

Color Diagnostics, LLC DBA Color Health
Classification: Uncertain significance for Cardiomyopathy. Last evaluated: 2023-11-06. Review status: criteria provided, single submitter. Criteria: ACMG Guidelines, 2015. Collection method: clinical testing. Allele origin: germline.
Comment: This missense variant replaces asparagine with serine at codon 2398 of the DSP protein. Computational prediction suggests that this variant may not impact protein structure and function (internally defined REVEL score threshold <= 0.5, PMID: 27666373). To our knowledge, functional studies have not been reported for this variant. This variant has not been reported in individuals affected with DSP-related disorders in the literature. This variant has been identified in 2/251452 chromosomes in the general population by the Genome Aggregation Database (gnomAD). The available evidence is insufficient to determine the role of this variant in disease conclusively. Therefore, this variant is classified as a Variant of Uncertain Significance.

GeneDx
Classification: Uncertain significance. Last evaluated: 2023-10-30. Review status: criteria provided, single submitter. Criteria: GeneDx Variant Classification Process June 2021. Collection method: clinical testing. Allele origin: germline. Affected: yes.
Comment: Has not been previously published as pathogenic or benign to our knowledge; Not observed at significant frequency in large population cohorts (gnomAD); In silico analysis supports that this missense variant does not alter protein structure/function